The following is an entry in ClinVar:

ClinVar aggregate classification (germline): Uncertain significance. Review status: criteria provided, multiple submitters, no conflicts (2 of 4 stars). 2 submissions from 2 submitters: Uncertain significance (2). Last evaluated 2023-05-15.

Conditions:
Bardet-Biedl syndrome (BBS). Identifiers: Orphanet 110, MedGen C0752166, MONDO:0015229.
Bardet-Biedl syndrome 15 (BBS15). Identifiers: Orphanet 110, MedGen C3150127, MONDO:0014443, OMIM 615992.
Heart defect - tongue hamartoma - polysyndactyly syndrome. Also called: Congenital heart defects, hamartomas of tongue, and polysyndactyly. Identifiers: Orphanet 1338, MedGen C1857587, MONDO:0009008, OMIM 217085.

Allele frequency attached by ClinVar (database versions not stated): ExAC 0.00001; gnomAD exomes 0.00001.
gnomAD v4.1: 6 of 1,613,408 alleles (0.00037%); highest among the groups gnomAD compares: South Asian, 0.0055%; no homozygotes.

Submissions (2):

Labcorp Genetics (formerly Invitae), Labcorp
Classification: Uncertain significance for Bardet-Biedl syndrome. Last evaluated: 2023-05-15. Review status: criteria provided, single submitter. Criteria: Invitae Variant Classification Sherloc (09022015). Collection method: clinical testing. Allele origin: germline.
Comment: This variant has not been reported in the literature in individuals affected with WDPCP-related conditions. This variant is present in population databases (rs755148252, gnomAD 0.007%). This sequence change replaces isoleucine, which is neutral and non-polar, with leucine, which is neutral and non-polar, at codon 212 of the WDPCP protein (p.Ile212Leu). In summary, the available evidence is currently insufficient to determine the role of this variant in disease. Therefore, it has been classified as a Variant of Uncertain Significance. An algorithm developed to predict the effect of missense changes on protein structure and function (PolyPhen-2) suggests that this variant is likely to be disruptive. ClinVar contains an entry for this variant (Variation ID: 1389322).

Fulgent Genetics
Classification: Uncertain significance for Heart defect - tongue hamartoma - polysyndactyly syndrome; Bardet-Biedl syndrome 15. Last evaluated: 2022-04-18. Review status: criteria provided, single submitter. Criteria: ACMG Guidelines, 2015. Collection method: clinical testing. Allele origin: unknown.

NM_015910.7(WDPCP):c.634A>C (p.Ile212Leu)

Gene: WDPCP (WD repeat containing planar cell polarity effector; minus strand). Cytogenetic location: 2p15.
Variant type: single nucleotide variant.
Coding change: c.634A>C on transcript NM_015910.7 (MANE Select); coding-DNA position 634, A replaced by C.
Protein change: p.Ile212Leu; replaces isoleucine 212 with leucine.
Molecular consequence: missense variant. On other transcripts: non-coding transcript variant (3).
Genome position (GRCh38, 1-based): chr2:63,433,936, T>G on the plus strand (A>C on the coding strand, the complement: WDPCP is on the minus strand). VCF-style: chr2-63433936-T-G. GRCh37 (hg19) VCF-style: chr2-63661070-T-G.
Other names: c.157A>C, p.Ile53Leu (NM_001042692.3); c.562A>C, p.Ile188Leu (NM_001354044.2); c.634A>C, p.Ile212Leu (NM_001354045.2); short protein forms I212L, I53L, I188L.
Identifiers: ClinVar variation 1389322 (VCV001389322.7), dbSNP rs755148252, ClinGen allele CA1682382.
Genomic context (GRCh38, chr2:63,433,936, plus strand): 5'-TGATAGCTAGATGTCGCTCTGTTGTCTTGTTTATTGGGCCGGGTATTTCATAATAGAAAA[T>G]CTAACAATTTTAAAAAAGCATACATGAAACATTTCTTTTAAAAGATGCAAAATCCTCAAG-3'
Protein context (NP_056994.3, residues 202-222): LEKLSALDYK[Ile212Leu]FYYEIPGPIN